The following is an entry in ClinVar:

NM_000234.3(LIG1):c.221C>T (p.Ala74Val)

Gene: LIG1 (DNA ligase 1; minus strand). Cytogenetic location: 19q13.33.
Variant type: single nucleotide variant.
Coding change: c.221C>T on transcript NM_000234.3 (MANE Select); coding-DNA position 221, C replaced by T.
Protein change: p.Ala74Val; replaces alanine 74 with valine.
Molecular consequence: missense variant. On other transcripts: non-coding transcript variant (6).
Genome position (GRCh38, 1-based): chr19:48,161,394, G>A on the plus strand (C>T on the coding strand, the complement: LIG1 is on the minus strand). VCF-style: chr19-48161394-G-A. GRCh37 (hg19) VCF-style: chr19-48664651-G-A.
Other names: c.131C>T, p.Ala44Val (NM_001289063.2, NM_001320971.2); c.221C>T, p.Ala74Val (NM_001289064.2, NM_001320970.2); short protein forms A74V, A44V.
Identifiers: ClinVar variation 1358030 (VCV001358030.8), dbSNP rs375838718, ClinGen allele CA9547398.

ClinVar aggregate classification (germline): Uncertain significance (1 of 4 stars; one submission).

Allele frequency attached by ClinVar (database versions not stated): gnomAD exomes below 0.00001 and 0.00001; TOPMed below 0.00001; ExAC 0.00001; gnomAD 0.00001; ESP Exome Variant Server 0.00008.
gnomAD v4.1: 7 of 1,614,030 alleles (0.00043%); highest among the groups gnomAD compares: African/African-American, 0.0053%; no homozygotes.

Submission:

Labcorp Genetics (formerly Invitae), Labcorp
Classification: Uncertain significance. Last evaluated: 2021-05-31. Review status: criteria provided, single submitter. Criteria: Invitae Variant Classification Sherloc (09022015). Collection method: clinical testing. Allele origin: germline.
Comment: In summary, the available evidence is currently insufficient to determine the role of this variant in disease. Therefore, it has been classified as a Variant of Uncertain Significance. Algorithms developed to predict the effect of missense changes on protein structure and function (SIFT, PolyPhen-2, Align-GVGD) all suggest that this variant is likely to be tolerated, but these predictions have not been confirmed by published functional studies and their clinical significance is uncertain. This variant has not been reported in the literature in individuals with LIG1-related conditions. This variant is present in population databases (rs375838718, ExAC 0.01%). This sequence change replaces alanine with valine at codon 74 of the LIG1 protein (p.Ala74Val). The alanine residue is moderately conserved and there is a small physicochemical difference between alanine and valine.